The following is an entry in ClinVar:

ClinVar aggregate classification (germline): Uncertain significance (1 of 4 stars; one submission).

Conditions:
Tuberous sclerosis 2 (TSC2). Identifiers: Orphanet 805, MedGen C1860707, MONDO:0013199, OMIM 613254.

Submission:

Labcorp Genetics (formerly Invitae), Labcorp
Classification: Uncertain significance for Tuberous sclerosis 2. Last evaluated: 2018-05-02. Review status: criteria provided, single submitter. Criteria: Invitae Variant Classification Sherloc (09022015). Collection method: clinical testing. Allele origin: germline.
Comment: Algorithms developed to predict the effect of missense changes on protein structure and function do not agree on the potential impact of this missense change (SIFT: "Deleterious"; PolyPhen-2: "Probably Damaging"; Align-GVGD: "Class C0"). In summary, the available evidence is currently insufficient to determine the role of this variant in disease. Therefore, it has been classified as a Variant of Uncertain Significance. This variant is not present in population databases (ExAC no frequency). This variant has not been reported in the literature in individuals with TSC2-related disease. This sequence change replaces tryptophan with arginine at codon 896 of the TSC2 protein (p.Trp896Arg). The tryptophan residue is highly conserved and there is a moderate physicochemical difference between tryptophan and arginine.

NM_000548.5(TSC2):c.2686T>C (p.Trp896Arg)

Gene: TSC2 (TSC complex subunit 2; plus strand). Cytogenetic location: 16p13.3.
Variant type: single nucleotide variant.
Coding change: c.2686T>C on transcript NM_000548.5 (MANE Select); coding-DNA position 2686, T replaced by C.
Protein change: p.Trp896Arg; replaces tryptophan 896 with arginine.
Molecular consequence: missense variant.
Genome position (GRCh38, 1-based): chr16:2,076,114, T>C. VCF-style: chr16-2076114-T-C. GRCh37 (hg19) VCF-style: chr16-2126115-T-C.
Other names: c.2686T>C, p.Trp896Arg (NM_001114382.3, NM_001363528.2, NM_001370404.1 and 3 more transcripts); c.2575T>C, p.Trp859Arg (NM_001318827.2); c.2539T>C, p.Trp847Arg (NM_001318829.2); c.2086T>C, p.Trp696Arg (NM_001318831.2); c.2719T>C, p.Trp907Arg (NM_001318832.2); short protein forms W896R, W847R, W696R, W859R, W907R.
Identifiers: ClinVar variation 579975 (VCV000579975.8), dbSNP rs1567483855, ClinGen allele CA394279364.